The following is an entry in ClinVar:

NM_002049.4(GATA1):c.77C>G (p.Ser26Cys)

Gene: GATA1 (GATA binding protein 1; plus strand). Cytogenetic location: Xp11.23.
Variant type: single nucleotide variant.
Coding change: c.77C>G on transcript NM_002049.4 (MANE Select); coding-DNA position 77, C replaced by G.
Protein change: p.Ser26Cys; replaces serine 26 with cysteine.
Molecular consequence: missense variant.
Genome position (GRCh38, 1-based): chrX:48,791,186, C>G. VCF-style: chrX-48791186-C-G. GRCh37 (hg19) VCF-style: chrX-48649593-C-G.
Other names: short protein forms S26C.
Identifiers: ClinVar variation 3747924 (VCV003747924.2).

ClinVar aggregate classification (germline): Uncertain significance (1 of 4 stars; one submission).

Conditions:
GATA binding protein 1 related thrombocytopenia with dyserythropoiesis. Also called: GATA1-Related X-Linked Cytopenia; GATA1-Related Cytopenia. Identifiers: MedGen C1845837, MONDO:0100089.
Diamond-Blackfan anemia. Also called: Blackfan Diamond syndrome; Aregenerative anemia chronic congenital; Red cell aplasia, pure hereditary; Congenital hypoplastic anemia; Aase syndrome. Identifiers: Orphanet 124, MedGen C1260899, MeSH D029503, MONDO:0015253, HP:0004810.

Submission:

Labcorp Genetics (formerly Invitae), Labcorp
Classification: Uncertain significance for GATA binding protein 1 related thrombocytopenia with dyserythropoiesis; Diamond-Blackfan anemia. Last evaluated: 2024-04-27. Review status: criteria provided, single submitter. Criteria: Invitae Variant Classification Sherloc (09022015). Collection method: clinical testing. Allele origin: germline.
Comment: This sequence change replaces serine, which is neutral and polar, with cysteine, which is neutral and slightly polar, at codon 26 of the GATA1 protein (p.Ser26Cys). This variant is not present in population databases (gnomAD no frequency). This variant has not been reported in the literature in individuals affected with GATA1-related conditions. An algorithm developed to predict the effect of missense changes on protein structure and function (PolyPhen-2) suggests that this variant is likely to be disruptive. In summary, the available evidence is currently insufficient to determine the role of this variant in disease. Therefore, it has been classified as a Variant of Uncertain Significance.